The following is an entry in ClinVar:

NM_000222.3(KIT):c.43C>T (p.Leu15Phe)

Gene: KIT (KIT proto-oncogene, receptor tyrosine kinase; plus strand). Cytogenetic location: 4q12.
Variant type: single nucleotide variant.
Coding change: c.43C>T on transcript NM_000222.3 (MANE Select); coding-DNA position 43, C replaced by T.
Protein change: p.Leu15Phe; replaces leucine 15 with phenylalanine.
Molecular consequence: missense variant.
Genome position (GRCh38, 1-based): chr4:54,658,057, C>T. VCF-style: chr4-54658057-C-T. GRCh37 (hg19) VCF-style: chr4-55524224-C-T.
Other names: c.43C>T, p.Leu15Phe (NM_001093772.2, NM_001385284.1, NM_001385285.1 and 4 more transcripts); short protein forms L15F.
Identifiers: ClinVar variation 1718268 (VCV001718268.7), dbSNP rs2109521134, ClinGen allele CA356897971.

ClinVar aggregate classification (germline): Uncertain significance. Review status: criteria provided, multiple submitters, no conflicts (2 of 4 stars). 2 submissions from 2 submitters: Uncertain significance (2). Last evaluated 2024-11-14.

Conditions:
Gastrointestinal stromal tumor. Also called: Gastrointestinal stroma tumor; Gastrointestinal stromal tumor, somatic. Identifiers: Orphanet 44890, MedGen C0238198, MeSH D046152, MONDO:0011719, OMIM 606764, HP:0100723.
Hereditary cancer-predisposing syndrome. Also called: Tumor predisposition; Neoplastic Syndromes, Hereditary; Hereditary Cancer Syndrome; Hereditary neoplastic syndrome. Identifiers: Orphanet 140162, MedGen C0027672, MeSH D009386, MONDO:0015356.

Allele frequency attached by ClinVar (database versions not stated): gnomAD exomes below 0.00001.
gnomAD v4.1: 1 of 1,613,878 alleles (0.000062%); highest among the groups gnomAD compares: Non-Finnish European, 0.000085%; no homozygotes.

Submissions (2):

Ambry Genetics
Classification: Uncertain significance for Hereditary cancer-predisposing syndrome. Last evaluated: 2024-11-14. Review status: criteria provided, single submitter. Criteria: Ambry Variant Classification Scheme 2023. Collection method: clinical testing. Allele origin: germline.
Comment: The p.L15F variant (also known as c.43C>T), located in coding exon 1 of the KIT gene, results from a C to T substitution at nucleotide position 43. The leucine at codon 15 is replaced by phenylalanine, an amino acid with highly similar properties. This amino acid position is conserved. In addition, this alteration is predicted to be tolerated by in silico analysis. Based on the available evidence, the clinical significance of this variant remains unclear.

Labcorp Genetics (formerly Invitae), Labcorp
Classification: Uncertain significance for Gastrointestinal stromal tumor. Last evaluated: 2022-11-03. Review status: criteria provided, single submitter. Criteria: Invitae Variant Classification Sherloc (09022015). Collection method: clinical testing. Allele origin: germline.
Comment: In summary, the available evidence is currently insufficient to determine the role of this variant in disease. Therefore, it has been classified as a Variant of Uncertain Significance. Algorithms developed to predict the effect of missense changes on protein structure and function output the following: SIFT: "Deleterious"; PolyPhen-2: "Benign"; Align-GVGD: "Class C0". The phenylalanine amino acid residue is found in multiple mammalian species, which suggests that this missense change does not adversely affect protein function. This variant has not been reported in the literature in individuals affected with KIT-related conditions. This variant is not present in population databases (gnomAD no frequency). This sequence change replaces leucine, which is neutral and non-polar, with phenylalanine, which is neutral and non-polar, at codon 15 of the KIT protein (p.Leu15Phe).